The following is an entry in ClinVar:

NM_012448.4(STAT5B):c.1037C>G (p.Thr346Ser)

Gene: STAT5B (signal transducer and activator of transcription 5B; minus strand). Cytogenetic location: 17q21.2.
Variant type: single nucleotide variant.
Coding change: c.1037C>G on transcript NM_012448.4 (MANE Select); coding-DNA position 1037, C replaced by G.
Protein change: p.Thr346Ser; replaces threonine 346 with serine.
Molecular consequence: missense variant.
Genome position (GRCh38, 1-based): chr17:42,218,283, G>C on the plus strand (C>G on the coding strand, the complement: STAT5B is on the minus strand). VCF-style: chr17-42218283-G-C. GRCh37 (hg19) VCF-style: chr17-40370301-G-C.
Other names: short protein forms T346S.
Identifiers: ClinVar variation 4854244 (VCV004854244.1).

ClinVar aggregate classification (germline): Uncertain significance (1 of 4 stars; one submission).

Conditions:
Growth hormone insensitivity syndrome with immune dysregulation 2, autosomal dominant. Identifiers: MedGen C5436546, MONDO:0100219, OMIM 618985.

Submission:

3billion
Classification: Uncertain significance for Growth hormone insensitivity syndrome with immune dysregulation 2, autosomal dominant. Last evaluated: 2025-06-11. Review status: criteria provided, single submitter. Criteria: ACMG Guidelines, 2015. Collection method: clinical testing. Allele origin: germline. Affected: yes.
Comment: The variant is not observed in the gnomAD v4.1.0 dataset. Predicted Consequence/Location: Missense variant In silico tool predictions suggest damaging effect of the variant on gene or gene product [REVEL: 0.79 (>=0.6, sensitivity 0.68 and specificity 0.92)]. Therefore, this variant is classified as VUS according to the recommendation of ACMG/AMP guideline.